The following is an entry in ClinVar:

NM_022336.4(EDAR):c.1213G>A (p.Gly405Ser)

Genes: EDAR (ectodysplasin A receptor; minus strand), RANBP2 (RAN binding protein 2; plus strand). Cytogenetic location: 2q13.
Variant type: single nucleotide variant.
Coding change: c.1213G>A on transcript NM_022336.4 (MANE Select); coding-DNA position 1213, G replaced by A.
Protein change: p.Gly405Ser; replaces glycine 405 with serine.
Molecular consequence: missense variant.
Genome position (GRCh38, 1-based): chr2:108,897,041, C>T on the plus strand (G>A on the coding strand, the complement: EDAR is on the minus strand). VCF-style: chr2-108897041-C-T. GRCh37 (hg19) VCF-style: chr2-109513497-C-T.
Other names: short protein forms G405S.
Identifiers: ClinVar variation 3757999 (VCV003757999.4).

ClinVar aggregate classification (germline): Likely pathogenic. Review status: criteria provided, multiple submitters, no conflicts (2 of 4 stars). 2 submissions from 2 submitters: Likely pathogenic (2). Last evaluated 2026-10-02.

Conditions:
Ectodermal dysplasia 10A, hypohidrotic/hair/nail type, autosomal dominant (ECTD10A). Also called: Ectodermal Dysplasia 3, Anhidrotic. Identifiers: Orphanet 1810, Orphanet 238468, MedGen C3888065, MONDO:0007509, OMIM 129490.
Autosomal recessive hypohidrotic ectodermal dysplasia syndrome. Also called: Autosomal recessive hypohidrotic ectodermal dysplasia. Identifiers: Orphanet 248, MedGen C0406702, MONDO:0016619.

Submissions (2):

Lupski Lab, Baylor-Hopkins CMG, Baylor College of Medicine
Classification: Likely pathogenic for Ectodermal dysplasia 10A, hypohidrotic/hair/nail type, autosomal dominant. Last evaluated: 2026-10-02. Review status: criteria provided, single submitter. Criteria: ACMG Guidelines, 2015. Collection method: research. Allele origin: germline. Inheritance: Autosomal dominant inheritance. Affected: yes. Observed: 6 variant alleles, 6 heterozygotes. Clinical features observed: Periorbital wrinkles (HP:0000607), Periorbital hyperpigmentation (HP:0001106), Dry skin (HP:0000958), Thin skin (HP:0000963), Sparse eyebrow (HP:0045075), Sparse eyelashes (HP:0000653), Fine hair (HP:0002213), Sparse body hair (HP:0002231), Thin fingernail (HP:0012742), Tooth agenesis (HP:0009804), Hypodontia (HP:0000668), Irregular dentition (HP:0040079), and 41 more. Segregation with disease observed.
Comment: This c.1213G>A(p.Gly405Ser) variant segregates with Ectodermal dysplasia 10A, hypohidrotic/hair/nail type, autosomal dominant, across 3 generations in a large family with 9 informative meioses (PP1_Strong =+4pts). This variant is located within the Death Domain hotspot (PM1_Moderate= +2pts). This is a novel missense change at an amino acid residue where a different missense change determined to be pathogenic has been seen before (PM5_Moderate= +2pts). It is absent in gnomAD (PM2_Supporting= +1pt). 9 pts (PP1 +4, PM1 +2, PM5 +2, PM2 +1).

Labcorp Genetics (formerly Invitae), Labcorp
Classification: Likely pathogenic for Ectodermal dysplasia 10A, hypohidrotic/hair/nail type, autosomal dominant; Autosomal recessive hypohidrotic ectodermal dysplasia syndrome. Last evaluated: 2025-01-12. Review status: criteria provided, single submitter. Criteria: Invitae Variant Classification Sherloc (09022015). Collection method: clinical testing. Allele origin: germline.
Comment: This sequence change replaces glycine, which is neutral and non-polar, with serine, which is neutral and polar, at codon 405 of the EDAR protein (p.Gly405Ser). This variant is not present in population databases (gnomAD no frequency). This missense change has been observed in individual(s) with EDAR-related conditions (internal data). Invitae Evidence Modeling of protein sequence and biophysical properties (such as structural, functional, and spatial information, amino acid conservation, physicochemical variation, residue mobility, and thermodynamic stability) indicates that this missense variant is expected to disrupt EDAR protein function with a positive predictive value of 80%. This variant disrupts the p.Gly405 amino acid residue in EDAR. Other variant(s) that disrupt this residue have been determined to be pathogenic (internal data). This suggests that this residue is clinically significant, and that variants that disrupt this residue are likely to be disease-causing. In summary, the currently available evidence indicates that the variant is pathogenic, but additional data are needed to prove that conclusively. Therefore, this variant has been classified as Likely Pathogenic.